The following is an entry in ClinVar:

NM_001080449.3(DNA2):c.152C>T (p.Ala51Val)

Gene: DNA2 (DNA replication helicase/nuclease 2; minus strand). Cytogenetic location: 10q21.3.
Variant type: single nucleotide variant.
Coding change: c.152C>T on transcript NM_001080449.3 (MANE Select); coding-DNA position 152, C replaced by T.
Protein change: p.Ala51Val; replaces alanine 51 with valine.
Molecular consequence: missense variant. On other transcripts: non-coding transcript variant (1).
Genome position (GRCh38, 1-based): chr10:68,470,086, G>A on the plus strand (C>T on the coding strand, the complement: DNA2 is on the minus strand). VCF-style: chr10-68470086-G-A. GRCh37 (hg19) VCF-style: chr10-70229843-G-A.
Other names: c.152C>T (NM_001080449.2); short protein forms A51V.
Identifiers: ClinVar variation 1405523 (VCV001405523.7), dbSNP rs773427416, ClinGen allele CA5525368.
Genomic context (GRCh38, chr10:68,470,086, plus strand): 5'-GAAGCAGTGATGACCAGGCGCTTTTCACAGTTTCCCTCTTTGTTCTGTACAGTATTGACT[G>A]CCAACACCAGGTACCGGTTATCCATTCCTGTGCTCAGAACTGTTCTTGGAAAGGAAGCTA-3'
Protein context (NP_001073918.2, residues 41-61): TGMDNRYLVL[Ala51Val]VNTVQNKEGN

ClinVar aggregate classification (germline): Uncertain significance. Review status: criteria provided, multiple submitters, no conflicts (2 of 4 stars). 2 submissions from 2 submitters: Uncertain significance (2). Last evaluated 2025-12-30.

Conditions:
Inborn genetic diseases. Identifiers: MedGen C0950123, MeSH D030342.

Allele frequency attached by ClinVar (database versions not stated): gnomAD 0.00002; gnomAD exomes 0.00002 and 0.00003; TOPMed 0.00005; 1000 Genomes Project 30x 0.00016.
gnomAD v4.1: 37 of 1,613,730 alleles (0.0023%); highest among the groups gnomAD compares: Middle Eastern, 0.066%; no homozygotes.

Submissions (2):

Labcorp Genetics (formerly Invitae), Labcorp
Classification: Uncertain significance. Last evaluated: 2025-12-30. Review status: criteria provided, single submitter. Criteria: Invitae Variant Classification Sherloc (09022015). Collection method: clinical testing. Allele origin: germline.
Comment: This sequence change replaces alanine, which is neutral and non-polar, with valine, which is neutral and non-polar, at codon 51 of the DNA2 protein (p.Ala51Val). This variant is present in population databases (rs773427416, gnomAD 0.007%). This variant has not been reported in the literature in individuals affected with DNA2-related conditions. ClinVar contains an entry for this variant (Variation ID: 1405523). Invitae Evidence Modeling of protein sequence and biophysical properties (such as structural, functional, and spatial information, amino acid conservation, physicochemical variation, residue mobility, and thermodynamic stability) indicates that this missense variant is not expected to disrupt DNA2 protein function with a negative predictive value of 80%. In summary, the available evidence is currently insufficient to determine the role of this variant in disease. Therefore, it has been classified as a Variant of Uncertain Significance.

Ambry Genetics
Classification: Uncertain significance for Inborn genetic diseases. Last evaluated: 2024-02-21. Review status: criteria provided, single submitter. Criteria: Ambry Variant Classification Scheme 2023. Collection method: clinical testing. Allele origin: germline.